The following is an entry in ClinVar:

ClinVar aggregate classification (germline): Likely benign (0 of 4 stars; one submission).

Conditions:
HBE1-related disorder. Also called: HBE1-related condition.

Allele frequency attached by ClinVar (database versions not stated): gnomAD 0.00001; gnomAD exomes 0.00001; ExAC 0.00002; TOPMed 0.00002; 1000 Genomes Project 30x 0.00016; 1000 Genomes Project 0.00020.
gnomAD v4.1: 19 of 1,613,914 alleles (0.0012%); highest among the groups gnomAD compares: South Asian, 0.0066%; no homozygotes.

Submission:

PreventionGenetics, part of Exact Sciences
Classification: Likely benign for HBE1-related condition. Last evaluated: 2019-12-26. Review status: no assertion criteria provided. Collection method: clinical testing. Allele origin: germline.
Comment: This variant is classified as likely benign based on ACMG/AMP sequence variant interpretation guidelines (Richards et al. 2015 PMID: 25741868, with internal and published modifications).

NM_005330.4(HBE1):c.414C>T (p.Val138=)

Gene: HBE1 (hemoglobin subunit epsilon 1; minus strand). Cytogenetic location: 11p15.4.
Variant type: single nucleotide variant.
Coding change: c.414C>T on transcript NM_005330.4 (MANE Select); coding-DNA position 414, C replaced by T.
Protein change: p.Val138=; no amino-acid change (valine 138 retained).
Molecular consequence: synonymous variant.
Genome position (GRCh38, 1-based): chr11:5,268,499, G>A on the plus strand (C>T on the coding strand, the complement: HBE1 is on the minus strand). VCF-style: chr11-5268499-G-A. GRCh37 (hg19) VCF-style: chr11-5289729-G-A.
Identifiers: ClinVar variation 3043301 (VCV003043301.2), dbSNP rs145809569, ClinGen allele CA5840319.